The following is an entry in ClinVar:

ClinVar aggregate classification (germline): Uncertain significance (1 of 4 stars; one submission).

Conditions:
Oculofaciocardiodental syndrome (MCOPS2). Identifiers: Orphanet 2712, MedGen C1846265, MONDO:0010261, OMIM 300166.

gnomAD v4.1: 1 of 1,211,928 alleles (0.000083%); highest among the groups gnomAD compares: Non-Finnish European, 0.00011%; no homozygotes.

Submission:

Labcorp Genetics (formerly Invitae), Labcorp
Classification: Uncertain significance for Oculofaciocardiodental syndrome. Last evaluated: 2024-11-06. Review status: criteria provided, single submitter. Criteria: Invitae Variant Classification Sherloc (09022015). Collection method: clinical testing. Allele origin: germline.
Comment: This sequence change replaces aspartic acid, which is acidic and polar, with asparagine, which is neutral and polar, at codon 1488 of the BCOR protein (p.Asp1488Asn). This variant is not present in population databases (gnomAD no frequency). This variant has not been reported in the literature in individuals affected with BCOR-related conditions. Invitae Evidence Modeling of protein sequence and biophysical properties (such as structural, functional, and spatial information, amino acid conservation, physicochemical variation, residue mobility, and thermodynamic stability) indicates that this missense variant is expected to disrupt BCOR protein function with a positive predictive value of 80%. In summary, the available evidence is currently insufficient to determine the role of this variant in disease. Therefore, it has been classified as a Variant of Uncertain Significance.

NM_001123385.2(BCOR):c.4564G>A (p.Asp1522Asn)

Gene: BCOR (BCL6 corepressor; minus strand). Cytogenetic location: Xp11.4.
Variant type: single nucleotide variant.
Coding change: c.4564G>A on transcript NM_001123385.2 (MANE Select); coding-DNA position 4564, G replaced by A.
Protein change: p.Asp1522Asn; replaces aspartic acid 1522 with asparagine.
Molecular consequence: missense variant.
Genome position (GRCh38, 1-based): chrX:40,057,186, C>T on the plus strand (G>A on the coding strand, the complement: BCOR is on the minus strand). VCF-style: chrX-40057186-C-T. GRCh37 (hg19) VCF-style: chrX-39916439-C-T.
Other names: c.4462G>A, p.Asp1488Asn (NM_001123383.2, NM_017745.6); c.4408G>A, p.Asp1470Asn (NM_001123384.2); short protein forms D1522N, D1470N, D1488N.
Identifiers: ClinVar variation 3665644 (VCV003665644.2).